The following is an entry in ClinVar:

ClinVar aggregate classification (germline): Uncertain significance (1 of 4 stars; one submission).

Allele frequency attached by ClinVar (database versions not stated): gnomAD 0.00001 and 0.00002; gnomAD exomes 0.00002 and 0.00003; TOPMed 0.00004; 1000 Genomes Project 30x 0.00016.
gnomAD v4.1: 26 of 1,536,264 alleles (0.0017%); highest among the groups gnomAD compares: African/African-American, 0.0082%; no homozygotes.

Submission:

Labcorp Genetics (formerly Invitae), Labcorp
Classification: Uncertain significance. Last evaluated: 2022-08-09. Review status: criteria provided, single submitter. Criteria: Invitae Variant Classification Sherloc (09022015). Collection method: clinical testing. Allele origin: germline.
Comment: This sequence change replaces arginine, which is basic and polar, with glutamine, which is neutral and polar, at codon 549 of the FAM20C protein (p.Arg549Gln). In summary, the available evidence is currently insufficient to determine the role of this variant in disease. Therefore, it has been classified as a Variant of Uncertain Significance. Algorithms developed to predict the effect of sequence changes on RNA splicing suggest that this variant may create or strengthen a splice site. Algorithms developed to predict the effect of missense changes on protein structure and function (SIFT, PolyPhen-2, Align-GVGD) all suggest that this variant is likely to be disruptive. ClinVar contains an entry for this variant (Variation ID: 1351810). This variant has not been reported in the literature in individuals affected with FAM20C-related conditions. This variant is present in population databases (no rsID available, gnomAD 0.01%).

NM_020223.4(FAM20C):c.1646G>A (p.Arg549Gln)

Gene: FAM20C (FAM20C golgi associated secretory pathway kinase; plus strand). Cytogenetic location: 7p22.3.
Variant type: single nucleotide variant.
Coding change: c.1646G>A on transcript NM_020223.4 (MANE Select); coding-DNA position 1646, G replaced by A.
Protein change: p.Arg549Gln; replaces arginine 549 with glutamine.
Molecular consequence: missense variant.
Genome position (GRCh38, 1-based): chr7:259,871, G>A. VCF-style: chr7-259871-G-A. GRCh37 (hg19) VCF-style: chr7-299837-G-A.
Other names: short protein forms R549Q.
Identifiers: ClinVar variation 1351810 (VCV001351810.8), dbSNP rs893467130, ClinGen allele CA152288874.